The following is an entry in ClinVar:

NC_012920.1(MT-TF):m.597C>T

Gene: MT-TF (mitochondrially encoded tRNA phenylalanine; plus strand).
Variant type: single nucleotide variant.
Genome position: chrM-597-C-T.
Identifiers: ClinVar variation 689814 (VCV000689814.1), dbSNP rs1603218453, ClinGen allele CA913175565.

ClinVar aggregate classification (germline): Benign (1 of 4 stars; one submission).

Conditions:
MELAS syndrome (MELAS). Also called: Juvenile myopathy, encephalopathy, lactic acidosis, stroke. Identifiers: Orphanet 550, MedGen C0162671, MONDO:0010789, OMIM 540000.

Submission:

Wong Mito Lab, Molecular and Human Genetics, Baylor College of Medicine
Classification: Benign for MELAS syndrome. Last evaluated: 2019-07-12. Review status: criteria provided, single submitter. Criteria: Modified ACMG Guidelines (Unpublished). Collection method: clinical testing. Allele origin: germline.
Comment: The NC_012920.1:m.597C>T variant in MT-TF gene is interpreted to be a Benign variant based on the modified ACMG guidelines (unpublished). This variant meets the following evidence codes reported in the guidelines: BS1, BS4, BP4

Literature cited by the submitters: PubMed 31965079.